The following is an entry in ClinVar:

NM_018127.7(ELAC2):c.1365C>G (p.Asn455Lys)

Gene: ELAC2 (elaC ribonuclease Z 2; minus strand). Cytogenetic location: 17p12.
Variant type: single nucleotide variant.
Coding change: c.1365C>G on transcript NM_018127.7 (MANE Select); coding-DNA position 1365, C replaced by G.
Protein change: p.Asn455Lys; replaces asparagine 455 with lysine.
Molecular consequence: missense variant.
Genome position (GRCh38, 1-based): chr17:13,000,214, G>C on the plus strand (C>G on the coding strand, the complement: ELAC2 is on the minus strand). VCF-style: chr17-13000214-G-C. GRCh37 (hg19) VCF-style: chr17-12903531-G-C.
Other names: c.1245C>G, p.Asn415Lys (NM_001165962.2); c.1362C>G, p.Asn454Lys (NM_173717.2); short protein forms N415K, N454K, N455K.
Identifiers: ClinVar variation 3361859 (VCV003361859.1).
Genomic context (GRCh38, chr17:13,000,214, plus strand): 5'-ACCTGCTGGGGCTGGGCCGTCCTGCGCACTCCTCCTGTACTCCTGCACGCTCTGCTGGAA[G>C]TTGGGAAGCTGCAGCGCCTCAACTATGAATTCCTCAGGATTGCAAGTAATAATGGCATCC-3'
Protein context (NP_060597.4, residues 445-465): EFIVEALQLP[Asn455Lys]FQQSVQEYRR

ClinVar aggregate classification (germline): Uncertain significance (1 of 4 stars; one submission).

Submission:

GeneDx
Classification: Uncertain significance. Last evaluated: 2023-08-04. Review status: criteria provided, single submitter. Criteria: GeneDx Variant Classification Process June 2021. Collection method: clinical testing. Allele origin: germline. Affected: yes.
Comment: Not observed at significant frequency in large population cohorts (gnomAD); In silico analysis supports that this missense variant has a deleterious effect on protein structure/function; Has not been previously published as pathogenic or benign to our knowledge